The following is an entry in ClinVar:

ClinVar aggregate classification (germline): Uncertain significance. Review status: criteria provided, multiple submitters, no conflicts (2 of 4 stars). 3 submissions from 3 submitters: Uncertain significance (2). 1 of the submissions does not count toward it. Last evaluated 2024-04-04.

Conditions:
Optic atrophy. Identifiers: MedGen C0029124, MONDO:0003608, HP:0000648.

Submissions (3):

Blueprint Genetics
Classification: Uncertain significance. Last evaluated: 2024-04-04. Review status: criteria provided, single submitter. Criteria: ACMG Guidelines, 2015. Collection method: clinical testing. Allele origin: germline.

Labcorp Genetics (formerly Invitae), Labcorp
Classification: Uncertain significance. Last evaluated: 2019-10-04. Review status: criteria provided, single submitter. Criteria: Invitae Variant Classification Sherloc (09022015). Collection method: clinical testing. Allele origin: germline.
Comment: This sequence change results in a frameshift in the ARHGEF18 gene (p.Gly1141Alafs*47). While this is not anticipated to result in nonsense mediated decay, it is expected to disrupt the last 33 amino acids of the ARHGEF18 protein and extend the protein by an additional 14 amino acids. This variant is present in population databases (rs776138789, ExAC 0.002%). This variant has not been reported in the literature in individuals with ARHGEF18-related conditions. In summary, the available evidence is currently insufficient to determine the role of this variant in disease. Therefore, it has been classified as a Variant of Uncertain Significance.

Institute of Human Genetics, Univ. Regensburg, Univ. Regensburg
Classification: Uncertain significance for Optic atrophy. Last evaluated: 2018-01-01. Review status: no assertion criteria provided. Criteria: ACMG Guidelines, 2015. Collection method: clinical testing. Allele origin: germline. Affected: yes. Not counted in ClinVar's aggregate classification.

NM_001367823.1(ARHGEF18):c.3986del (p.Gly1329fs)

Gene: ARHGEF18 (Rho/Rac guanine nucleotide exchange factor 18; plus strand). Cytogenetic location: 19p13.2.
Variant type: Deletion.
Coding change: c.3986del on transcript NM_001367823.1 (MANE Select); coding-DNA position 3986, one base deleted (G; older notation c.3986delG).
Protein change: p.Gly1329fs; shifts the reading frame from glycine 1329.
Molecular consequence: frameshift variant.
Genome position (GRCh38, 1-based): chr19:7,470,198, G deleted; the last of 5 consecutive G bases (chr19:7,470,194-7,470,198); deleting any one gives the same sequence. VCF-style (leftmost placement, unchanged base first): chr19-7470193-CG-C. GRCh37 (hg19) VCF-style: chr19-7535079-CG-C.
Other names: c.3260del, p.Gly1087fs (NM_001130955.2); c.2948del, p.Gly983fs (NM_001367824.1, NM_015318.4); short protein forms G1087fs, G1329fs, G983fs.
Identifiers: ClinVar variation 949912 (VCV000949912.6), dbSNP rs776138789, ClinGen allele CA9137326.
Genomic context (GRCh38, chr19:7,470,193, plus strand): 5'-CTTCCCCGCCCCGAGCCCACCGCCAGCTGACAGCCCCTCCGAGGGCTTCTCTCTCAAGGC[CG>C]GGGGCACAGCCCTCCTGCCCGGGCCCCCAGCTCCCTCGCCACTGCCGGCCACACCACTCA-3'